The following is an entry in ClinVar:

NM_005445.4(SMC3):c.198+7G>A

Gene: SMC3 (structural maintenance of chromosomes 3; plus strand). Cytogenetic location: 10q25.2.
Variant type: single nucleotide variant.
Coding change: c.198+7G>A on transcript NM_005445.4 (MANE Select); 7 bases into the intron after coding-DNA position 198, G replaced by A.
Molecular consequence: intron variant.
Genome position (GRCh38, 1-based): chr10:110,575,410, G>A. VCF-style: chr10-110575410-G-A. GRCh37 (hg19) VCF-style: chr10-112335168-G-A.
Identifiers: ClinVar variation 708136 (VCV000708136.9), dbSNP rs765985488, ClinGen allele CA5687648.

ClinVar aggregate classification (germline): Benign. Review status: criteria provided, multiple submitters, no conflicts (2 of 4 stars). 2 submissions from 2 submitters: Benign (2). Last evaluated 2024-09-01.

Conditions:
Cornelia de Lange syndrome 3 (CDLS3). Also called: SMC3-Related Cornelia de Lange Syndrome; CORNELIA DE LANGE SYNDROME 3 WITH OR WITHOUT MIDLINE BRAIN DEFECTS. Identifiers: Orphanet 199, MedGen C1853099, MONDO:0012555, OMIM 610759.

Allele frequency attached by ClinVar (database versions not stated): gnomAD 0.00003; TOPMed 0.00005; gnomAD exomes 0.00010; ExAC 0.00013.
gnomAD v4.1: 24 of 1,600,458 alleles (0.0015%); highest among the groups gnomAD compares: East Asian, 0.051%; no homozygotes.

Submissions (2):

Labcorp Genetics (formerly Invitae), Labcorp
Classification: Benign for Cornelia de Lange syndrome 3. Last evaluated: 2024-09-01. Review status: criteria provided, single submitter. Criteria: Invitae Variant Classification Sherloc (09022015). Collection method: clinical testing. Allele origin: germline.

Illumina Laboratory Services, Illumina
Classification: Benign for Cornelia de Lange syndrome 3. Last evaluated: 2018-01-13. Review status: criteria provided, single submitter. Criteria: ICSL Variant Classification Criteria 13 December 2019. Collection method: clinical testing. Allele origin: germline.
Comment: This variant was observed in the ICSL laboratory as part of a predisposition screen in an ostensibly healthy population. It had not been previously curated by ICSL or reported in the Human Gene Mutation Database (HGMD: prior to June 1st, 2018), and was therefore a candidate for classification through an automated scoring system. Utilizing variant allele frequency, disease prevalence and penetrance estimates, and inheritance mode, an automated score was calculated to assess if this variant is too frequent to cause the disease. Based on the score and internal cut-off values, a variant classified as benign is not then subjected to further curation. The score for this variant resulted in a classification of benign for this disease.